The following is an entry in ClinVar:

NM_015378.4(VPS13D):c.7340G>A (p.Ser2447Asn)

Gene: VPS13D (vacuolar protein sorting 13 homolog D; plus strand). Cytogenetic location: 1p36.22.
Variant type: single nucleotide variant.
Coding change: c.7340G>A on transcript NM_015378.4 (MANE Select); coding-DNA position 7340, G replaced by A.
Protein change: p.Ser2447Asn; replaces serine 2447 with asparagine.
Molecular consequence: missense variant.
Genome position (GRCh38, 1-based): chr1:12,318,263, G>A. VCF-style: chr1-12318263-G-A. GRCh37 (hg19) VCF-style: chr1-12378320-G-A.
Other names: c.7340G>A, p.Ser2447Asn (NM_018156.4); short protein forms S2447N.
Identifiers: ClinVar variation 2663391 (VCV002663391.1), dbSNP rs1378704277, ClinGen allele CA338493998.
Genomic context (GRCh38, chr1:12,318,263, plus strand): 5'-CTCCTTCTCGCCACCGTAACTCTAGCAGCGAATCTGCTATAGTTCCCAAAACTGTGAAGA[G>A]TGGAGTAGTTACCAAGCGGTCTTCCCTTCCTGTGTCCAATGAAAGGCACCTGGAGGTCAA-3'
Protein context (NP_056193.2, residues 2437-2457): ESAIVPKTVK[Ser2447Asn]GVVTKRSSLP

ClinVar aggregate classification (germline): Uncertain significance (1 of 4 stars; one submission).

Allele frequency attached by ClinVar (database versions not stated): TOPMed 0.00001.

Submission:

GeneDx
Classification: Uncertain significance. Last evaluated: 2023-03-24. Review status: criteria provided, single submitter. Criteria: GeneDx Variant Classification Process June 2021. Collection method: clinical testing. Allele origin: germline. Affected: yes.
Comment: Not observed at significant frequency in large population cohorts (gnomAD); In silico analysis supports that this missense variant does not alter protein structure/function; Has not been previously published as pathogenic or benign to our knowledge